The following is an entry in ClinVar:

NM_018026.4(PACS1):c.979-18T>C

Gene: PACS1 (phosphofurin acidic cluster sorting protein 1; plus strand). Cytogenetic location: 11q13.2.
Variant type: single nucleotide variant.
Coding change: c.979-18T>C on transcript NM_018026.4 (MANE Select); 18 bases into the intron before coding-DNA position 979, T replaced by C.
Molecular consequence: intron variant.
Genome position (GRCh38, 1-based): chr11:66,219,728, T>C. VCF-style: chr11-66219728-T-C. GRCh37 (hg19) VCF-style: chr11-65987199-T-C.
Identifiers: ClinVar variation 2833751 (VCV002833751.3), dbSNP rs1855298868, ClinGen allele CA938969515.

ClinVar aggregate classification (germline): Uncertain significance (1 of 4 stars; one submission).

Conditions:
Schuurs-Hoeijmakers syndrome. Also called: PACS1-Related Neurodevelopmental Disorder. Identifiers: Orphanet 329224, MedGen C3554343, MONDO:0014006, OMIM 615009.

Allele frequency attached by ClinVar (database versions not stated): TOPMed below 0.00001; gnomAD 0.00001.
gnomAD v4.1: 1 of 1,610,126 alleles (0.000062%); no homozygotes.

Submission:

Labcorp Genetics (formerly Invitae), Labcorp
Classification: Uncertain significance for Schuurs-Hoeijmakers syndrome. Last evaluated: 2023-02-01. Review status: criteria provided, single submitter. Criteria: Invitae Variant Classification Sherloc (09022015). Collection method: clinical testing. Allele origin: germline.
Comment: In summary, the available evidence is currently insufficient to determine the role of this variant in disease. Therefore, it has been classified as a Variant of Uncertain Significance. Algorithms developed to predict the effect of sequence changes on RNA splicing suggest that this variant may create or strengthen a splice site. This variant has not been reported in the literature in individuals affected with PACS1-related conditions. This variant is not present in population databases (gnomAD no frequency). This sequence change falls in intron 7 of the PACS1 gene. It does not directly change the encoded amino acid sequence of the PACS1 protein.